The following is an entry in ClinVar:

ClinVar aggregate classification (germline): Pathogenic (1 of 4 stars; one submission).

Conditions:
Medium-chain acyl-coenzyme A dehydrogenase deficiency (ACADMD). Also called: ACADM DEFICIENCY; CARNITINE DEFICIENCY SECONDARY TO MEDIUM-CHAIN ACYL-CoA DEHYDROGENASE DEFICIENCY; MCADH DEFICIENCY; MCADD; Medium chain acyl-CoA dehydrogenase deficiency; MCAD Deficiency. Identifiers: Orphanet 42, MedGen C0220710, MONDO:0008721, OMIM 201450.

Submission:

Myriad Genetics, Inc.
Classification: Pathogenic for Medium-chain acyl-coenzyme A dehydrogenase deficiency. Last evaluated: 2024-08-28. Review status: criteria provided, single submitter. Criteria: Myriad Autosomal Dominant, Autosomal Recessive and X-Linked Classification Criteria (2023). Collection method: clinical testing. Allele origin: unknown.
Comment: NM_000016.4(ACADM):c.14_15delTC(F5Wfs*27) is expected to be pathogenic in the context of medium-chain acyl-CoA dehydrogenase deficiency. This variant is predicted to lead to an abnormal or absent protein product due to the creation of a premature termination codon in ACADM, a gene where loss-of-function variants are known to be pathogenic. Please note: this variant was assessed in the context of healthy population screening.

NM_000016.6(ACADM):c.14_15del (p.Phe5fs)

Gene: ACADM (acyl-CoA dehydrogenase medium chain; plus strand). Cytogenetic location: 1p31.1.
Variant type: Deletion.
Coding change: c.14_15del on transcript NM_000016.6 (MANE Select); coding-DNA positions 14 to 15, 2 bases deleted (TC; older notation c.14_15delTC).
Protein change: p.Phe5fs; shifts the reading frame from phenylalanine 5.
Molecular consequence: frameshift variant. On other transcripts: 5 prime UTR variant (2).
Genome position (GRCh38, 1-based): chr1:75,724,801-75,724,802, TC deleted. VCF-style (leftmost placement, unchanged base first): chr1-75724800-TTC-T. GRCh37 (hg19) VCF-style: chr1-76190485-TTC-T.
Other names: c.14_15del, p.Phe5fs (NM_001127328.3, NM_001286043.2); c.-7_-6del (NM_001286042.2); c.-284_-283del (NM_001286044.2); short protein forms F5fs.
Identifiers: ClinVar variation 5013502 (VCV005013502.1).
Genomic context (GRCh38, chr1:75,724,800, plus strand): 5'-GGCCGTGACCCGTGTATTATTGTCCGAGTGGCCGGAACGGGAGCCAACATGGCAGCGGGG[TTC>T]GGGCGATGCTGCAGGGTGAGAGGGAGCCCAGCGGTGCGGTGGGGCTGGAACATGGGTATT-3'